The following is an entry in ClinVar:

ClinVar aggregate classification (germline): Likely pathogenic (1 of 4 stars; one submission).

Conditions:
Methylcobalamin deficiency type cblG (HMAG). Also called: HOMOCYSTINURIA-MEGALOBLASTIC ANEMIA, cblG COMPLEMENTATION TYPE; HOMOCYSTINURIA-MEGALOBLASTIC ANEMIA DUE TO DEFECT IN COBALAMIN METABOLISM, cblG COMPLEMENTATION TYPE; Functional methionine synthase deficiency type cblG; HOMOCYSTINURIA-MEGALOBLASTIC ANEMIA, cblG TYPE. Identifiers: Orphanet 2170, Orphanet 622, MedGen C1855128, MONDO:0009609, OMIM 250940.

gnomAD v4.1: 3 of 1,613,468 alleles (0.00019%); highest among the groups gnomAD compares: Non-Finnish European, 0.00025%; no homozygotes.

Submission:

Labcorp Genetics (formerly Invitae), Labcorp
Classification: Likely pathogenic for Methylcobalamin deficiency type cblG. Last evaluated: 2024-03-10. Review status: criteria provided, single submitter. Criteria: Invitae Variant Classification Sherloc (09022015). Collection method: clinical testing. Allele origin: germline.
Comment: This sequence change affects an acceptor splice site in intron 22 of the MTR gene. It is expected to disrupt RNA splicing. Variants that disrupt the donor or acceptor splice site typically lead to a loss of protein function (PMID: 16199547), and loss-of-function variants in MTR are known to be pathogenic (PMID: 9683607, 12068375). This variant is not present in population databases (gnomAD no frequency). This variant has not been reported in the literature in individuals affected with MTR-related conditions. Algorithms developed to predict the effect of sequence changes on RNA splicing suggest that this variant may disrupt the consensus splice site. In summary, the currently available evidence indicates that the variant is pathogenic, but additional data are needed to prove that conclusively. Therefore, this variant has been classified as Likely Pathogenic.

Literature cited by the submitters: PubMed 16199547; PubMed 9683607; PubMed 12068375.

NM_000254.3(MTR):c.2406-2A>G

Gene: MTR (5-methyltetrahydrofolate-homocysteine methyltransferase; plus strand). Cytogenetic location: 1q43.
Variant type: single nucleotide variant.
Coding change: c.2406-2A>G on transcript NM_000254.3 (MANE Select); the canonical splice acceptor site of the intron before coding-DNA position 2406, A replaced by G.
Molecular consequence: splice acceptor variant. On other transcripts: intron variant (1).
Genome position (GRCh38, 1-based): chr1:236,873,771, A>G. VCF-style: chr1-236873771-A-G. GRCh37 (hg19) VCF-style: chr1-237037071-A-G.
Other names: c.2253-2A>G (NM_001291939.1); c.2406-6984A>G (NM_001410942.1); c.1185-2A>G (NM_001291940.2).
Identifiers: ClinVar variation 3644574 (VCV003644574.2).